The following is an entry in ClinVar:

ClinVar aggregate classification (germline): Pathogenic/Likely pathogenic. Review status: criteria provided, multiple submitters, no conflicts (2 of 4 stars). 3 submissions from 3 submitters: Pathogenic (1); Likely pathogenic (1). 1 of the submissions does not count toward it. Last evaluated 2023-09-22.

Conditions:
Transient bullous dermolysis of the newborn (TBDN). Also called: DYSTROPHIC EPIDERMOLYSIS BULLOSA, NEONATAL; EPIDERMOLYSIS BULLOSA DYSTROPHICA, NEONATAL FORM. Identifiers: Orphanet 79411, MedGen C1851573, MONDO:0007548, OMIM 131705.

Allele frequency attached by ClinVar (database versions not stated): TOPMed below 0.00001.

Submissions (3):

Labcorp Genetics (formerly Invitae), Labcorp
Classification: Likely pathogenic. Last evaluated: 2023-09-22. Review status: criteria provided, single submitter. Criteria: Invitae Variant Classification Sherloc (09022015). Collection method: clinical testing. Allele origin: germline.
Comment: Disruption of this splice site has been observed in individual(s) with dystrophic epidermolysis bullosa pruriginosa (PMID: 23106673). This variant has been reported in individual(s) with autosomal dominant transient bullous dermolysis (PMID: 9406826); however, the role of the variant in this condition is currently unclear. ClinVar contains an entry for this variant (Variation ID: 17461). This variant is not present in population databases (gnomAD no frequency). This sequence change affects an acceptor splice site in intron 35 of the COL7A1 gene. It is expected to disrupt splicing. Variants that disrupt the donor or acceptor splice site typically lead to a loss of protein function (PMID: 16199547), and loss-of-function variants in COL7A1 are known to be disease-causing for autosomal recessive dystrophic epidermolysis bullosa (PMID: 16971478). However, certain variants affecting donor or acceptor splice sites in the triple helical domain of COL7A1 are expected to result in in-frame exon skipping and have been reported to cause autosomal dominant dystrophic epidermolysis bullosa (PMID: 31670143). In summary, the currently available evidence indicates that the variant is pathogenic, but additional data are needed to prove that conclusively. Therefore, this variant has been classified as Likely Pathogenic. Algorithms developed to predict the effect of sequence changes on RNA splicing suggest that this variant may disrupt the consensus splice site.

GeneDx
Classification: Pathogenic. Last evaluated: 2023-09-18. Review status: criteria provided, single submitter. Criteria: GeneDx Variant Classification Process June 2021. Collection method: clinical testing. Allele origin: germline. Affected: yes.
Comment: Reported in unknown phase with COL7A1 p.(G2416V) in a proband with dystrophic epidermolysis bullosa pruriginosa and an apparently autosomal dominant family history, although family member testing was not performed (Brick et al., 2012); Canonical splice site variant predicted to result in a null allele in a gene for which loss of function is a known mechanism of disease; Not observed in large population cohorts (gnomAD); This variant is associated with the following publications: (PMID: 25525159, 8345225, 9406826, 23106673)

OMIM
Classification: Pathogenic for TRANSIENT BULLOUS DERMOLYSIS OF THE NEWBORN. Last evaluated: 1997-12-01. Review status: no assertion criteria provided. Collection method: literature only. Allele origin: germline. Not counted in ClinVar's aggregate classification.

Literature cited by the submitters: PubMed 23106673 (cited by Labcorp Genetics (formerly Invitae), Labcorp); PubMed 9406826 (cited by Labcorp Genetics (formerly Invitae), Labcorp and OMIM); PubMed 16199547 (cited by Labcorp Genetics (formerly Invitae), Labcorp); PubMed 16971478 (cited by Labcorp Genetics (formerly Invitae), Labcorp); PubMed 31670143 (cited by Labcorp Genetics (formerly Invitae), Labcorp); PubMed 2653224 (cited by OMIM).

NM_000094.4(COL7A1):c.4120-1G>C

Gene: COL7A1 (collagen type VII alpha 1 chain; minus strand). Cytogenetic location: 3p21.31.
Variant type: single nucleotide variant.
Coding change: c.4120-1G>C on transcript NM_000094.4 (MANE Select); the canonical splice acceptor site of the intron before coding-DNA position 4120, G replaced by C.
Molecular consequence: splice acceptor variant.
Genome position (GRCh38, 1-based): chr3:48,584,376, C>G on the plus strand (G>C on the coding strand, the complement: COL7A1 is on the minus strand). VCF-style: chr3-48584376-C-G. GRCh37 (hg19) VCF-style: chr3-48621809-C-G.
Other names: IVS35AS, G-C, -1.
Identifiers: ClinVar variation 17461 (VCV000017461.9), dbSNP rs1299648939, ClinGen allele CA352695561.
Genomic context (GRCh38, chr3:48,584,376, plus strand): 5'-AAGCCCTGGGGGGCCACGGGGTCCTGGGTCCCCCAGTGGTCCACGAGGTCCAGGGGGGCC[C>G]TGATGGAGGAGACAAAGTATAAGGTGCAACCCCACAGACCTCACTCTCGCCCCCCTCGTG-3'